The following is an entry in ClinVar:

NM_001130144.3(LTBP3):c.3554A>G (p.His1185Arg)

Gene: LTBP3 (latent transforming growth factor beta binding protein 3; minus strand). Cytogenetic location: 11q13.1.
Variant type: single nucleotide variant.
Coding change: c.3554A>G on transcript NM_001130144.3 (MANE Select); coding-DNA position 3554, A replaced by G.
Protein change: p.His1185Arg; replaces histidine 1185 with arginine.
Molecular consequence: missense variant.
Genome position (GRCh38, 1-based): chr11:65,539,622, T>C on the plus strand (A>G on the coding strand, the complement: LTBP3 is on the minus strand). VCF-style: chr11-65539622-T-C. GRCh37 (hg19) VCF-style: chr11-65307093-T-C.
Other names: c.3062A>G, p.His1021Arg (NM_001164266.1); c.3413A>G, p.His1138Arg (NM_021070.4); short protein forms H1138R, H1021R, H1185R.
Identifiers: ClinVar variation 2810202 (VCV002810202.3), dbSNP rs2496114875, ClinGen allele CA381266624.
Genomic context (GRCh38, chr11:65,539,622, plus strand): 5'-CCCAACAGCAGGGGGCTTGTGTCCCAGAAGGAATTGCTCTCGCTCTGCGATGTCGGGCAA[T>C]GGGACCCTGGGAGGAGCAGAACTGGTCAGCGACGTCCGGGTCCCCGGGCCCTGGCCCCCA-3'
Protein context (NP_001123616.1, residues 1175-1195): RPCPPRGAGS[His1185Arg]CPTSQSESNS

ClinVar aggregate classification (germline): Uncertain significance (1 of 4 stars; one submission).

Conditions:
Brachyolmia-amelogenesis imperfecta syndrome. Also called: PLATYSPONDYLY WITH AMELOGENESIS IMPERFECTA; Tooth agenesis, selective, 6; Dental anomalies and short stature. Identifiers: Orphanet 2899, MedGen C1832594, MONDO:0011018, OMIM 601216. Disease mechanism: loss of function.

Allele frequency attached by ClinVar (database versions not stated): gnomAD exomes below 0.00001.
gnomAD v4.1: 1 of 1,610,226 alleles (0.000062%); highest among the groups gnomAD compares: Non-Finnish European, 0.000085%; no homozygotes.

Submission:

Labcorp Genetics (formerly Invitae), Labcorp
Classification: Uncertain significance for Brachyolmia-amelogenesis imperfecta syndrome. Last evaluated: 2023-10-22. Review status: criteria provided, single submitter. Criteria: Invitae Variant Classification Sherloc (09022015). Collection method: clinical testing. Allele origin: germline.
Comment: This sequence change replaces histidine, which is basic and polar, with arginine, which is basic and polar, at codon 1185 of the LTBP3 protein (p.His1185Arg). This variant is not present in population databases (gnomAD no frequency). This variant has not been reported in the literature in individuals affected with LTBP3-related conditions. An algorithm developed to predict the effect of missense changes on protein structure and function (PolyPhen-2) suggests that this variant is likely to be tolerated. In summary, the available evidence is currently insufficient to determine the role of this variant in disease. Therefore, it has been classified as a Variant of Uncertain Significance.